The following is an entry in ClinVar:

NM_182641.4(BPTF):c.4799A>C (p.Lys1600Thr)

Gene: BPTF (bromodomain PHD finger transcription factor; plus strand). Cytogenetic location: 17q24.2.
Variant type: single nucleotide variant.
Coding change: c.4799A>C on transcript NM_182641.4 (MANE Select); coding-DNA position 4799, A replaced by C.
Protein change: p.Lys1600Thr; replaces lysine 1600 with threonine.
Molecular consequence: missense variant.
Genome position (GRCh38, 1-based): chr17:67,912,683, A>C. VCF-style: chr17-67912683-A-C. GRCh37 (hg19) VCF-style: chr17-65908799-A-C.
Other names: c.5177A>C, p.Lys1726Thr (NM_004459.7); short protein forms K1726T, K1600T.
Identifiers: ClinVar variation 2788382 (VCV002788382.3), dbSNP rs2511499317, ClinGen allele CA400731071.
Genomic context (GRCh38, chr17:67,912,683, plus strand): 5'-AAAGAAAAACCGTCATCACAGAAGTCACCACGATGACCTCCACAGTGGCCACAGAATCAA[A>C]AACTGTGATCAAGGTAGAAAAAGGCGATAAGCAAACTGTGGTTTCTTCCACAGAAAATTG-3'
Protein context (NP_872579.2, residues 1590-1610): TMTSTVATES[Lys1600Thr]TVIKVEKGDK

ClinVar aggregate classification (germline): Uncertain significance (1 of 4 stars; one submission).

Submission:

Labcorp Genetics (formerly Invitae), Labcorp
Classification: Uncertain significance. Last evaluated: 2023-03-15. Review status: criteria provided, single submitter. Criteria: Invitae Variant Classification Sherloc (09022015). Collection method: clinical testing. Allele origin: germline.
Comment: This sequence change replaces lysine, which is basic and polar, with threonine, which is neutral and polar, at codon 1726 of the BPTF protein (p.Lys1726Thr). This variant is not present in population databases (gnomAD no frequency). This variant has not been reported in the literature in individuals affected with BPTF-related conditions. An algorithm developed to predict the effect of missense changes on protein structure and function (PolyPhen-2) suggests that this variant is likely to be disruptive. In summary, the available evidence is currently insufficient to determine the role of this variant in disease. Therefore, it has been classified as a Variant of Uncertain Significance.